The following is an entry in ClinVar:

ClinVar aggregate classification (germline): Pathogenic (0 of 4 stars; one submission).

Conditions:
Fanconi anemia complementation group A (FANCA). Also called: Fanconi anemia, group A; FANCA-Related Fanconi Anemia. Identifiers: Orphanet 84, MedGen C3469521, MONDO:0009215, OMIM 227650.

Submission:

Leiden Open Variation Database
Classification: Pathogenic for Fanconi anemia complementation group A. Last evaluated: 2020-02-28. Review status: no assertion criteria provided. Collection method: curation. Allele origin: germline. Affected: yes.
Comment: Curator: Arleen D. Auerbach. Submitter to LOVD: Arleen D. Auerbach.

Literature cited by the submitters: PubMed 25168418.

NC_000016.10:g.88341896_88355504del

Variant type: Deletion.
Identifiers: ClinVar variation 974304 (VCV000974304.1).